The following is an entry in ClinVar:

NM_001369.3(DNAH5):c.9230G>T (p.Arg3077Leu)

Gene: DNAH5 (dynein axonemal heavy chain 5; minus strand). Cytogenetic location: 5p15.2.
Variant type: single nucleotide variant.
Coding change: c.9230G>T on transcript NM_001369.3 (MANE Select); coding-DNA position 9230, G replaced by T.
Protein change: p.Arg3077Leu; replaces arginine 3077 with leucine.
Molecular consequence: missense variant.
Genome position (GRCh38, 1-based): chr5:13,776,582, C>A on the plus strand (G>T on the coding strand, the complement: DNAH5 is on the minus strand). VCF-style: chr5-13776582-C-A. GRCh37 (hg19) VCF-style: chr5-13776691-C-A.
Other names: short protein forms R3077L.
Identifiers: ClinVar variation 454817 (VCV000454817.20), dbSNP rs113742238, ClinGen allele CA3202590.

ClinVar aggregate classification (germline): Conflicting classifications of pathogenicity. Review status: criteria provided, conflicting classifications (1 of 4 stars). 7 submissions from 7 submitters: Uncertain significance (5); Likely benign (1). 1 of the submissions does not count toward it. Last evaluated 2025-12-08.

Conditions:
Primary ciliary dyskinesia. Also called: Ciliary dyskinesia. Identifiers: Orphanet 244, MedGen C0008780, MONDO:0016575, HP:0012265.
Primary ciliary dyskinesia 3. Identifiers: Orphanet 244, MedGen C1837618, MONDO:0012085, OMIM 608644.

Allele frequency attached by ClinVar (database versions not stated): TOPMed 0.00014; 1000 Genomes Project 30x 0.00031; 1000 Genomes Project 0.00040.
gnomAD v4.1: 203 of 1,613,870 alleles (0.013%); highest among the groups gnomAD compares: Middle Eastern, 0.15%; no homozygotes.

Submissions (7):

Labcorp Genetics (formerly Invitae), Labcorp
Classification: Likely benign for Primary ciliary dyskinesia. Last evaluated: 2025-12-08. Review status: criteria provided, single submitter. Criteria: Invitae Variant Classification Sherloc (09022015). Collection method: clinical testing. Allele origin: germline.

Blueprint Genetics
Classification: Uncertain significance. Last evaluated: 2024-09-20. Review status: criteria provided, single submitter. Criteria: ACMG Guidelines, 2015. Collection method: clinical testing. Allele origin: germline.

GeneDx
Classification: Uncertain significance. Last evaluated: 2022-04-29. Review status: criteria provided, single submitter. Criteria: GeneDx Variant Classification Process June 2021. Collection method: clinical testing. Allele origin: germline. Affected: yes.
Comment: In silico analysis supports that this missense variant has a deleterious effect on protein structure/function; Has not been previously published as pathogenic or benign to our knowledge

Genome-Nilou Lab
Classification: Uncertain significance for Primary ciliary dyskinesia 3. Last evaluated: 2021-07-14. Review status: criteria provided, single submitter. Criteria: ACMG Guidelines, 2015. Collection method: clinical testing. Allele origin: germline. Affected: no.

Illumina Laboratory Services, Illumina
Classification: Uncertain significance for Primary ciliary dyskinesia 3. Last evaluated: 2018-01-12. Review status: criteria provided, single submitter. Criteria: ICSL Variant Classification Criteria 13 December 2019. Collection method: clinical testing. Allele origin: germline.

Ambry Genetics
Classification: Uncertain significance for Primary ciliary dyskinesia. Last evaluated: 2016-04-21. Review status: criteria provided, single submitter. Criteria: Ambry Variant Classification Scheme 2023. Collection method: clinical testing. Allele origin: germline.
Comment: The p.R3077L variant (also known as c.9230G>T), located in coding exon 55 of the DNAH5 gene, results from a G to T substitution at nucleotide position 9230. The arginine at codon 3077 is replaced by leucine, an amino acid with dissimilar properties. This variant was previously reported in the SNPDatabase as rs113742238. Based on data from the 1000 Genomes Project, the T allele has an overall frequency of approximately 0.05% (1/2098) total alleles studied. The highest observed frequency was 0.51% (1/196) Tuscan alleles. This amino acid position is highly conserved in available vertebrate species. In addition, this alteration is predicted to be deleterious by in silico analysis. Since supporting evidence is limited at this time, the clinical significance of this variant remains unclear.

Natera, Inc.
Classification: Uncertain significance for Primary ciliary dyskinesia. Last evaluated: 2019-10-28. Review status: no assertion criteria provided. Collection method: clinical testing. Allele origin: germline. Not counted in ClinVar's aggregate classification.